The following is an entry in ClinVar:

ClinVar aggregate classification (germline): Uncertain significance. Review status: criteria provided, multiple submitters, no conflicts (2 of 4 stars). 2 submissions from 2 submitters: Uncertain significance (2). Last evaluated 2026-06-12.

Conditions:
Inborn genetic diseases. Identifiers: MedGen C0950123, MeSH D030342.
Baller-Gerold syndrome (BGS). Also called: CRANIOSYNOSTOSIS WITH RADIAL DEFECTS. Identifiers: Orphanet 1225, MedGen C0265308, MONDO:0009039, OMIM 218600.

Submissions (2):

Ambry Genetics
Classification: Uncertain significance for Inborn genetic diseases. Last evaluated: 2026-06-12. Review status: criteria provided, single submitter. Criteria: Ambry Variant Classification Scheme 2023. Collection method: clinical testing. Allele origin: germline.
Comment: The p.L82V variant (also known as c.244C>G), located in coding exon 4 of the RECQL4 gene, results from a C to G substitution at nucleotide position 244. The leucine at codon 82 is replaced by valine, an amino acid with highly similar properties. This amino acid position is conserved. In addition, this alteration is predicted to be tolerated by in silico analysis. Based on the available evidence, the clinical significance of this variant remains unclear.

Labcorp Genetics (formerly Invitae), Labcorp
Classification: Uncertain significance for Baller-Gerold syndrome. Last evaluated: 2023-08-02. Review status: criteria provided, single submitter. Criteria: Invitae Variant Classification Sherloc (09022015). Collection method: clinical testing. Allele origin: germline.
Comment: In summary, the available evidence is currently insufficient to determine the role of this variant in disease. Therefore, it has been classified as a Variant of Uncertain Significance. Advanced modeling of protein sequence and biophysical properties (such as structural, functional, and spatial information, amino acid conservation, physicochemical variation, residue mobility, and thermodynamic stability) has been performed at Invitae for this missense variant, however the output from this modeling did not meet the statistical confidence thresholds required to predict the impact of this variant on RECQL4 protein function. This sequence change replaces leucine, which is neutral and non-polar, with valine, which is neutral and non-polar, at codon 82 of the RECQL4 protein (p.Leu82Val). This variant is not present in population databases (gnomAD no frequency). This variant has not been reported in the literature in individuals affected with RECQL4-related conditions. ClinVar contains an entry for this variant (Variation ID: 1488016).

NM_004260.4(RECQL4):c.244C>G (p.Leu82Val)

Gene: RECQL4 (RecQ like helicase 4; minus strand). Cytogenetic location: 8q24.3.
Variant type: single nucleotide variant.
Coding change: c.244C>G on transcript NM_004260.4 (MANE Select); coding-DNA position 244, C replaced by G.
Protein change: p.Leu82Val; replaces leucine 82 with valine.
Molecular consequence: missense variant.
Genome position (GRCh38, 1-based): chr8:144,517,160, G>C on the plus strand (C>G on the coding strand, the complement: RECQL4 is on the minus strand). VCF-style: chr8-144517160-G-C. GRCh37 (hg19) VCF-style: chr8-145742544-G-C.
Other names: c.244C>G (NM_004260.3); short protein forms L82V.
Identifiers: ClinVar variation 1488016 (VCV001488016.7), dbSNP rs749101720, ClinGen allele CA372692283.
Genomic context (GRCh38, chr8:144,517,160, plus strand): 5'-CCGAGCCCTGGCGGCTCCGCCCTGGCGTAGACTGTGGACTCTTGGTCGCAGCCCGATTCA[G>C]ATGGGGCCCCCAGCAGCGGGGCTCTGGCGCCTGCAGGAGACAACAGGGGCACAGGCCAGA-3'
Protein context (NP_004251.4, residues 72-92): APEPRCWGPH[Leu82Val]NRAATKSPQS